The following is an entry in ClinVar:

NM_000381.4(MID1):c.250G>A (p.Asp84Asn)

Gene: MID1 (midline 1; minus strand). Cytogenetic location: Xp22.2.
Variant type: single nucleotide variant.
Coding change: c.250G>A on transcript NM_000381.4 (MANE Select); coding-DNA position 250, G replaced by A.
Protein change: p.Asp84Asn; replaces aspartic acid 84 with asparagine.
Molecular consequence: missense variant.
Genome position (GRCh38, 1-based): chrX:10,567,298, C>T on the plus strand (G>A on the coding strand, the complement: MID1 is on the minus strand). VCF-style: chrX-10567298-C-T. GRCh37 (hg19) VCF-style: chrX-10535338-C-T.
Other names: c.250G>A, p.Asp84Asn (NM_001098624.2, NM_001193277.1, NM_001193278.1 and 5 more transcripts); short protein forms D84N.
Identifiers: ClinVar variation 589289 (VCV000589289.10), dbSNP rs374851071, ClinGen allele CA10347716.

ClinVar aggregate classification (germline): Conflicting classifications of pathogenicity. Review status: criteria provided, conflicting classifications (1 of 4 stars). 3 submissions from 3 submitters: Uncertain significance (1); VUS-high (1); Likely benign (1). Last evaluated 2025-12-28.

Conditions:
History of neurodevelopmental disorder. Identifiers: MedGen C2711754.
X-linked Opitz G/BBB syndrome (GBBB). Also called: Opitz-Frias syndrome; MID1-Related Opitz G/BBB Syndrome; OPITZ BBBG SYNDROME, TYPE I; OPITZ SYNDROME, X-LINKED; OPITZ-G SYNDROME, TYPE I. Identifiers: Orphanet 2745, MedGen C2936904, MONDO:0010222, OMIM 300000.

Allele frequency attached by ClinVar (database versions not stated): gnomAD exomes 0.00003 and 0.00006; TOPMed 0.00003; ESP Exome Variant Server 0.00009; ExAC 0.00002; gnomAD 0.00002.
gnomAD v4.1: 38 of 1,195,942 alleles (0.0032%); highest among the groups gnomAD compares: South Asian, 0.029%; no homozygotes.

Submissions (3):

Labcorp Genetics (formerly Invitae), Labcorp
Classification: Likely benign. Last evaluated: 2025-12-28. Review status: criteria provided, single submitter. Criteria: Invitae Variant Classification Sherloc (09022015). Collection method: clinical testing. Allele origin: germline.

Laboratory of Cytogenetics, Molecular Genetics and Reproductive Biology, Farhat Hached University Hospital
Classification: VUS-high for X-linked Opitz G/BBB syndrome. Last evaluated: 2025-12-12. Review status: criteria provided, single submitter. Criteria: ACMG Guidelines, 2015. Collection method: clinical testing. Allele origin: germline. Inheritance: X-linked recessive inheritance. Affected: yes.
Comment: MID1 is associated with X-linked Opitz GBBB syndrome. Current evidence is insufficient to confirm pathogenicity for this variant; no functional data or definitive segregation available. Classified as Variant of Uncertain Significance (ACMG/AMP: PP4, PM2 not met).

Ambry Genetics
Classification: Uncertain significance for History of neurodevelopmental disorder. Last evaluated: 2016-05-23. Review status: criteria provided, single submitter. Criteria: Ambry Autosomal Dominant and X-Linked criteria (10/2015). Collection method: clinical testing. Allele origin: germline. Observed: 1 variant allele.
Comment: The p.D84N variant (also known as c.250G>A), located in coding exon 1 of the MID1 gene, results from a G to A substitution at nucleotide position 250. The aspartic acid at codon 84 is replaced by asparagine, an amino acid with highly similar properties. This variant was previously reported in the SNPDatabase as rs374851071. Based on data from the NHLBI Exome Sequencing Project (ESP), the A allele was absent out of 2443 total male alleles studied and thisvariantwas absent from the1000 Genomes Project population-based cohorts.This amino acid position is well conserved in available vertebrate species. In addition, this alteration is predicted to be tolerated by in silico analysis.Since supporting evidence is limited at this time, the clinical significance of this alteration remains unclear.